The following is an entry in ClinVar:

ClinVar aggregate classification (germline): Pathogenic (1 of 4 stars; one submission).

Submission:

Quest Diagnostics Nichols Institute San Juan Capistrano
Classification: Pathogenic. Last evaluated: 2024-10-15. Review status: criteria provided, single submitter. Criteria: ACMG/ClinGen CNV Guidelines, 2019. Collection method: clinical testing. Allele origin: unknown.
Comment: This deletion involves exons 4-9 (NM_058216.3) of the 3' portion of RAD51C (OMIM 602774). Haploinsufficiency of RAD51C is associated with susceptibility to familial breast and ovarian cancer (CCID:007745; OMIM 613399). Deletions involving the same exons or smaller nested deletions have been reported in the medical literature (Desmond 2015, Le Duc 2021, Moreno-Cabrera 2022, Potugari 2018, Yang 2020). Thus, this copy number variant (CNV) is classified as pathogenic. Reference: Desmond et al., JAMA Oncol. 2015 Oct;1(7):943-51. PMID: 26270727. Le Duc et al., Eur J Hum Genet. 2021 Mar;29(3):489-494. PMID: 33319852 Moreno-Cabrera et al.,J Med Genet. 2022 Jan;59(1):75-78. PMID: 33219106 Potugari et al., Clin Med Res. 2018 Dec;16(3-4):69-72. PMID: 30587560 Yang et al.,J Natl Cancer Inst. 2020 Dec 14;112(12):1242-1250. PMID: 32107557

GRCh37/hg19 17q22(chr17:56776256-56814456)x1

Gene: RAD51C (RAD51 paralog C; plus strand). Cytogenetic location: 17q22.
Variant type: copy number loss.
Change: copy number 1 (one copy instead of two) of chr17:56,776,256-56,814,456 (38.2 kb, GRCh37 coordinates, 1-based), cytogenetic band 17q22.
Identifiers: ClinVar variation 4682913 (VCV004682913.1).